The following is an entry in ClinVar:

NM_205768.3(ZBTB18):c.1232A>G (p.Lys411Arg)

Gene: ZBTB18 (zinc finger and BTB domain containing 18; plus strand). Cytogenetic location: 1q44.
Variant type: single nucleotide variant.
Coding change: c.1232A>G on transcript NM_205768.3 (MANE Select); coding-DNA position 1232, A replaced by G.
Protein change: p.Lys411Arg; replaces lysine 411 with arginine.
Molecular consequence: missense variant.
Genome position (GRCh38, 1-based): chr1:244,055,006, A>G. VCF-style: chr1-244055006-A-G. GRCh37 (hg19) VCF-style: chr1-244218308-A-G.
Other names: c.1205A>G, p.Lys402Arg (NM_001278196.2, NM_006352.5); c.*409A>G (NM_001421566.1); short protein forms K402R, K411R.
Identifiers: ClinVar variation 2574213 (VCV002574213.2), dbSNP rs1698431830, ClinGen allele CA345674669.
Genomic context (GRCh38, chr1:244,055,006, plus strand): 5'-CCCACATCCTGCAGATCCACCTGAGCACGCACTTCCGCGAGCAGGACGGCATCCGCAGCA[A>G]GCCCGCCGCCGATGTCAACGTGCCCACGTGCTCGCTGTGTGGGAAGACTTTCTCTTGCAT-3'
Protein context (NP_991331.1, residues 401-421): HFREQDGIRS[Lys411Arg]PAADVNVPTC

ClinVar aggregate classification (germline): Uncertain significance (1 of 4 stars; one submission).

Submission:

GeneDx
Classification: Uncertain significance. Last evaluated: 2024-11-04. Review status: criteria provided, single submitter. Criteria: GeneDx Variant Classification Process June 2021. Collection method: clinical testing. Allele origin: germline. Affected: yes.
Comment: Not observed at significant frequency in large population cohorts (gnomAD); In silico analysis indicates that this missense variant does not alter protein structure/function; Has not been previously published as pathogenic or benign to our knowledge